The following is an entry in ClinVar:

NM_054027.6(ANKH):c.432+13G>A

Gene: ANKH (ANKH inorganic pyrophosphate transport regulator; minus strand). Cytogenetic location: 5p15.2.
Variant type: single nucleotide variant.
Coding change: c.432+13G>A on transcript NM_054027.6 (MANE Select); 13 bases into the intron after coding-DNA position 432, G replaced by A.
Molecular consequence: intron variant.
Genome position (GRCh38, 1-based): chr5:14,758,467, C>T on the plus strand (G>A on the coding strand, the complement: ANKH is on the minus strand). VCF-style: chr5-14758467-C-T. GRCh37 (hg19) VCF-style: chr5-14758576-C-T.
Identifiers: ClinVar variation 351554 (VCV000351554.20), dbSNP rs112742497, ClinGen allele CA3209129.

ClinVar aggregate classification (germline): Benign/Likely benign. Review status: criteria provided, multiple submitters, no conflicts (2 of 4 stars). 6 submissions from 5 submitters: Benign (4); Likely benign (2). Last evaluated 2026-01-18.

Conditions:
Chondrocalcinosis 2. Also called: CALCIUM GOUT; CALCIUM PYROPHOSPHATE ARTHROPATHY; Familial calcium pyrophosphate deposition. Identifiers: Orphanet 1416, MedGen C0856830, MONDO:0007319, OMIM 118600.
Craniometaphyseal dysplasia, autosomal dominant (CMDD). Identifiers: Orphanet 1522, MedGen C1852502, MONDO:0007397, OMIM 123000.

Allele frequency attached by ClinVar (database versions not stated): gnomAD exomes 0.00078 and 0.00193; ESP Exome Variant Server 0.00654; gnomAD 0.00684 and 0.00728; ExAC 0.00251; TOPMed 0.00761; 1000 Genomes Project 30x 0.00765; 1000 Genomes Project 0.00779.
gnomAD v4.1: 2,226 of 1,597,312 alleles (0.14%); highest among the groups gnomAD compares: African/African-American, 2.3%; 25 homozygotes.

Submissions (6):

Labcorp Genetics (formerly Invitae), Labcorp
Classification: Benign. Last evaluated: 2026-01-18. Review status: criteria provided, single submitter. Criteria: Invitae Variant Classification Sherloc (09022015). Collection method: clinical testing. Allele origin: germline.

Genome-Nilou Lab
Classification: Benign for Craniometaphyseal dysplasia, autosomal dominant. Last evaluated: 2021-12-05. Review status: criteria provided, single submitter. Criteria: ACMG Guidelines, 2015. Collection method: clinical testing. Allele origin: germline. Affected: no.

GeneDx
Classification: Likely benign. Last evaluated: 2019-01-02. Review status: criteria provided, single submitter. Criteria: GeneDx Variant Classification Process June 2021. Collection method: clinical testing. Allele origin: germline. Affected: yes.

Illumina Laboratory Services, Illumina
Classification: Benign for Craniometaphyseal dysplasia, autosomal dominant. Last evaluated: 2018-01-13. Review status: criteria provided, single submitter. Criteria: ICSL Variant Classification Criteria 13 December 2019. Collection method: clinical testing. Allele origin: germline.
Comment: This variant was observed in the ICSL laboratory as part of a predisposition screen in an ostensibly healthy population. It had not been previously curated by ICSL or reported in the Human Gene Mutation Database (HGMD: prior to June 1st, 2018), and was therefore a candidate for classification through an automated scoring system. Utilizing variant allele frequency, disease prevalence and penetrance estimates, and inheritance mode, an automated score was calculated to assess if this variant is too frequent to cause the disease. Based on the score and internal cut-off values, a variant classified as benign is not then subjected to further curation. The score for this variant resulted in a classification of benign for this disease.

Illumina Laboratory Services, Illumina
Classification: Benign for Chondrocalcinosis 2. Last evaluated: 2018-01-13. Review status: criteria provided, single submitter. Criteria: ICSL Variant Classification Criteria 13 December 2019. Collection method: clinical testing. Allele origin: germline.
Comment: the same text as in the submission from Illumina Laboratory Services, Illumina above.

Breakthrough Genomics
Classification: Likely benign. Review status: criteria provided, single submitter. Criteria: ACMG Guidelines, 2015. Collection method: not provided. Allele origin: germline. Inheritance: Autosomal dominant inheritance. Affected: yes.